The following is an entry in ClinVar:

NM_000492.4(CFTR):c.1152A>C (p.Glu384Asp)

Gene: CFTR (CF transmembrane conductance regulator; plus strand). Cytogenetic location: 7q31.2.
Variant type: single nucleotide variant.
Coding change: c.1152A>C on transcript NM_000492.4 (MANE Select); coding-DNA position 1152, A replaced by C.
Protein change: p.Glu384Asp; replaces glutamic acid 384 with aspartic acid.
Molecular consequence: missense variant.
Genome position (GRCh38, 1-based): chr7:117,542,051, A>C. VCF-style: chr7-117542051-A-C. GRCh37 (hg19) VCF-style: chr7-117182105-A-C.
Other names: short protein forms E384D.
Identifiers: ClinVar variation 4227428 (VCV004227428.1).

ClinVar aggregate classification (germline): Uncertain significance (1 of 4 stars; one submission).

Conditions:
Cystic fibrosis (CF). Also called: MUCOVISCIDOSIS. Identifiers: Orphanet 586, MedGen C0010674, MONDO:0009061, OMIM 219700. Disease mechanism: loss of function.

gnomAD v4.1: 1 of 1,595,876 alleles (0.000063%); highest among the groups gnomAD compares: Non-Finnish European, 0.000086%; no homozygotes.

Submission:

Ambry Genetics
Classification: Uncertain significance for Cystic fibrosis. Last evaluated: 2025-08-09. Review status: criteria provided, single submitter. Criteria: Ambry Variant Classification Scheme 2023. Collection method: clinical testing. Allele origin: germline.
Comment: The p.E384D variant (also known as c.1152A>C), located in coding exon 9 of the CFTR gene, results from an A to C substitution at nucleotide position 1152. The glutamic acid at codon 384 is replaced by aspartic acid, an amino acid with highly similar properties. This amino acid position is conserved. In addition, the in silico prediction for this alteration is inconclusive. Based on the available evidence, the clinical significance of this variant remains unclear.